The following is an entry in ClinVar:

ClinVar aggregate classification (germline): Uncertain significance. Review status: criteria provided, multiple submitters, no conflicts (2 of 4 stars). 6 submissions from 6 submitters: Uncertain significance (5). 1 of the submissions does not count toward it. Last evaluated 2026-02-01.

Conditions:
Inborn genetic diseases. Identifiers: MedGen C0950123, MeSH D030342.
Usher syndrome type 1B (USH1B). Also called: Usher syndrome type IB. Identifiers: MedGen C1848638, MONDO:0700087.
Usher syndrome type 1 (USH1). Also called: RETINITIS PIGMENTOSA AND CONGENITAL DEAFNESS. Identifiers: Orphanet 231169, Orphanet 886, MedGen C1568247, MONDO:0010168, OMIM 276900.
Autosomal recessive nonsyndromic hearing loss 2. Also called: DEAFNESS, AUTOSOMAL RECESSIVE 2; NEUROSENSORY NONSYNDROMIC RECESSIVE DEAFNESS 2. Identifiers: Orphanet 90636, MedGen C1838701, MONDO:0010807, OMIM 600060.
Autosomal dominant nonsyndromic hearing loss 11. Identifiers: Orphanet 90635, MedGen C1832475, MONDO:0011032, OMIM 601317.

Allele frequency attached by ClinVar (database versions not stated): gnomAD exomes 0.00002 and 0.00010; gnomAD 0.00002; TOPMed 0.00002; ExAC 0.00005.
gnomAD v4.1: 27 of 1,598,288 alleles (0.0017%); highest among the groups gnomAD compares: East Asian, 0.036%; 1 homozygote.

Submissions (6):

Labcorp Genetics (formerly Invitae), Labcorp
Classification: Uncertain significance. Last evaluated: 2026-02-01. Review status: criteria provided, single submitter. Criteria: Invitae Variant Classification Sherloc (09022015). Collection method: clinical testing. Allele origin: germline.
Comment: This sequence change replaces leucine, which is neutral and non-polar, with proline, which is neutral and non-polar, at codon 789 of the MYO7A protein (p.Leu789Pro). This variant is present in population databases (rs751034678, gnomAD 0.08%), including at least one homozygous and/or hemizygous individual. This variant has not been reported in the literature in individuals affected with MYO7A-related conditions. ClinVar contains an entry for this variant (Variation ID: 991222). An algorithm developed to predict the effect of missense changes on protein structure and function (PolyPhen-2) suggests that this variant is likely to be disruptive. In summary, the available evidence is currently insufficient to determine the role of this variant in disease. Therefore, it has been classified as a Variant of Uncertain Significance.

Ambry Genetics
Classification: Uncertain significance for Inborn genetic diseases. Last evaluated: 2024-03-30. Review status: criteria provided, single submitter. Criteria: Ambry Variant Classification Scheme 2023. Collection method: clinical testing. Allele origin: germline.

Blueprint Genetics
Classification: Uncertain significance. Last evaluated: 2023-05-09. Review status: criteria provided, single submitter. Criteria: ACMG Guidelines, 2015. Collection method: clinical testing. Allele origin: germline.

Fulgent Genetics
Classification: Uncertain significance for Usher syndrome type 1; Autosomal recessive nonsyndromic hearing loss 2; Autosomal dominant nonsyndromic hearing loss 11. Last evaluated: 2022-01-18. Review status: criteria provided, single submitter. Criteria: ACMG Guidelines, 2015. Collection method: clinical testing. Allele origin: unknown.

GeneDx
Classification: Uncertain significance. Last evaluated: 2020-06-24. Review status: criteria provided, single submitter. Criteria: GeneDx Variant Classification Process June 2021. Collection method: clinical testing. Allele origin: germline. Affected: yes.
Comment: In silico analysis supports that this missense variant has a deleterious effect on protein structure/function; Has not been previously published as pathogenic or benign to our knowledge

Natera, Inc.
Classification: Uncertain significance for Usher syndrome type 1B. Last evaluated: 2020-04-16. Review status: no assertion criteria provided. Collection method: clinical testing. Allele origin: germline. Not counted in ClinVar's aggregate classification.

NM_000260.4(MYO7A):c.2366T>C (p.Leu789Pro)

Gene: MYO7A (myosin VIIA; plus strand). Cytogenetic location: 11q13.5.
Variant type: single nucleotide variant.
Coding change: c.2366T>C on transcript NM_000260.4 (MANE Select); coding-DNA position 2366, T replaced by C.
Protein change: p.Leu789Pro; replaces leucine 789 with proline.
Molecular consequence: missense variant.
Genome position (GRCh38, 1-based): chr11:77,179,128, T>C. VCF-style: chr11-77179128-T-C. GRCh37 (hg19) VCF-style: chr11-76890174-T-C.
Other names: c.2366T>C (NM_000260.3); c.2366T>C, p.Leu789Pro (NM_001127180.2); c.2333T>C, p.Leu778Pro (NM_001369365.1); short protein forms L778P, L789P.
Identifiers: ClinVar variation 991222 (VCV000991222.11), dbSNP rs751034678, ClinGen allele CA6197815.